The following is an entry in ClinVar:

ClinVar aggregate classification (germline): Uncertain significance (1 of 4 stars; one submission).

Conditions:
Cardiovascular phenotype. Identifiers: MedGen CN230736.
Hereditary cancer-predisposing syndrome. Also called: Tumor predisposition; Neoplastic Syndromes, Hereditary; Hereditary neoplastic syndrome; Hereditary Cancer Syndrome. Identifiers: Orphanet 140162, MedGen C0027672, MeSH D009386, MONDO:0015356.

Submission:

Ambry Genetics
Classification: Uncertain significance for Cardiovascular phenotype; Hereditary cancer-predisposing syndrome. Last evaluated: 2025-07-12. Review status: criteria provided, single submitter. Criteria: Ambry Variant Classification Scheme 2023. Collection method: clinical testing. Allele origin: germline.
Comment: The p.T110S variant (also known as c.328A>T), located in coding exon 4 of the LZTR1 gene, results from an A to T substitution at nucleotide position 328. The threonine at codon 110 is replaced by serine, an amino acid with similar properties. This amino acid position is conserved. In addition, this alteration is predicted to be tolerated by in silico analysis. Based on the available evidence, the clinical significance of this variant remains unclear.

NM_006767.4(LZTR1):c.328A>T (p.Thr110Ser)

Gene: LZTR1 (leucine zipper like post translational regulator 1; plus strand). Cytogenetic location: 22q11.21.
Variant type: single nucleotide variant.
Coding change: c.328A>T on transcript NM_006767.4 (MANE Select); coding-DNA position 328, A replaced by T.
Protein change: p.Thr110Ser; replaces threonine 110 with serine.
Molecular consequence: missense variant.
Genome position (GRCh38, 1-based): chr22:20,987,511, A>T. VCF-style: chr22-20987511-A-T. GRCh37 (hg19) VCF-style: chr22-21341800-A-T.
Other names: short protein forms T110S.
Identifiers: ClinVar variation 4101897 (VCV004101897.1).